The following is an entry in ClinVar:

NC_000001.11:g.230706145G>A

Gene: AGT (angiotensinogen; minus strand). Cytogenetic location: 1q42.2.
Variant type: single nucleotide variant.
Genome position: GRCh38 VCF-style: chr1-230706145-G-A. GRCh37 (hg19) VCF-style: chr1-230841891-G-A.
Other names: NM_000029.3:c.912C>T; NM_000029.4:c.912C>T; p.Asn304=.
Identifiers: ClinVar variation 728571 (VCV000728571.37), dbSNP rs61757178, ClinGen allele CA1448186.
Genomic context (GRCh38, chr1:230,706,145, plus strand): 5'-GTCACTCCAGTGCTGGAAGGTGCCCATGCCAGAGAGCATGGGAACAGACACTGAGGTGCT[G>A]TTGTCCACCCAGAACTCCTGGGGCTCGGCCAGCAGGGAGAAGCCCTTCATCTTCCCTGAA-3'

ClinVar aggregate classification (germline): Benign/Likely benign. Review status: criteria provided, multiple submitters, no conflicts (2 of 4 stars). 6 submissions from 6 submitters: Benign (1); Likely benign (5). Last evaluated 2026-01-31.

Conditions:
Essential hypertension, genetic (EHT). Identifiers: MedGen CN305331, MONDO:0007781, OMIM 145500.
Renal tubular dysgenesis of genetic origin. Also called: PRIMITIVE RENAL TUBULE SYNDROME. Identifiers: Orphanet 97369, MedGen C5681536, MONDO:0009970, OMIM 267430.
Renal tubular dysgenesis. Also called: Renotubular dysgenesis. Identifiers: Orphanet 3033, MedGen C0266313, MONDO:0017609, HP:0008660.

Allele frequency attached by ClinVar (database versions not stated): 1000 Genomes Project 0.00060; 1000 Genomes Project 30x 0.00078; ExAC 0.00240; gnomAD 0.00271 and 0.00280; TOPMed 0.00283; ESP Exome Variant Server 0.00338.
gnomAD v4.1: 7,529 of 1,614,104 alleles (0.47%); highest among the groups gnomAD compares: Non-Finnish European, 0.6%; 28 homozygotes.

Submissions (6):

Labcorp Genetics (formerly Invitae), Labcorp
Classification: Benign. Last evaluated: 2026-01-31. Review status: criteria provided, single submitter. Criteria: Invitae Variant Classification Sherloc (09022015). Collection method: clinical testing. Allele origin: germline.

Mayo Clinic Laboratories, Mayo Clinic
Classification: Likely benign. Last evaluated: 2025-12-07. Review status: criteria provided, single submitter. Criteria: ACMG Guidelines, 2015. Collection method: clinical testing. Allele origin: germline. Observed: 1 variant allele.
Comment: BS1, BP4, BP7

CeGaT Center for Human Genetics Tuebingen
Classification: Likely benign. Last evaluated: 2024-03-01. Review status: criteria provided, single submitter. Criteria: CeGaT Center For Human Genetics Tuebingen Variant Classification Criteria Version 2. Collection method: clinical testing. Allele origin: germline. Affected: yes. Observed: 1 variant allele.
Comment: AGT: BP4, BS2

Fulgent Genetics
Classification: Likely benign for Essential hypertension, genetic; Renal tubular dysgenesis of genetic origin. Last evaluated: 2021-08-09. Review status: criteria provided, single submitter. Criteria: ACMG Guidelines, 2015. Collection method: clinical testing. Allele origin: unknown.

Illumina Laboratory Services, Illumina
Classification: Likely benign for Renal tubular dysgenesis of genetic origin. Last evaluated: 2018-01-13. Review status: criteria provided, single submitter. Criteria: ICSL Variant Classification Criteria 13 December 2019. Collection method: clinical testing. Allele origin: germline.
Comment: This variant was observed in the ICSL laboratory as part of a predisposition screen in an ostensibly healthy population. It had not been previously curated by ICSL or reported in the Human Gene Mutation Database (HGMD: prior to June 1st, 2018), and was therefore a candidate for classification through an automated scoring system. Utilizing variant allele frequency, disease prevalence and penetrance estimates, and inheritance mode, an automated score was calculated to assess if this variant is too frequent to cause the disease. Based on the score and internal cut-off values, a variant classified as likely benign is not then subjected to further curation. The score for this variant resulted in a classification of likely benign for this disease.

Breakthrough Genomics
Classification: Likely benign. Review status: criteria provided, single submitter. Criteria: ACMG Guidelines, 2015. Collection method: not provided. Allele origin: germline. Inheritance: Autosomal recessive inheritance. Affected: yes.